The following is an entry in ClinVar:

NM_001267550.2(TTN):c.101720G>C (p.Ser33907Thr)

Genes: TTN (titin; minus strand), TTN-AS1 (TTN antisense RNA 1; plus strand). Cytogenetic location: 2q31.2.
Variant type: single nucleotide variant.
Coding change: c.101720G>C on transcript NM_001267550.2 (MANE Select); coding-DNA position 101720, G replaced by C.
Protein change: p.Ser33907Thr; replaces serine 33907 with threonine.
Molecular consequence: missense variant.
Genome position (GRCh38, 1-based): chr2:178,534,895, C>G on the plus strand (G>C on the coding strand, the complement: TTN is on the minus strand). VCF-style: chr2-178534895-C-G. GRCh37 (hg19) VCF-style: chr2-179399622-C-G.
Other names: c.96797G>C, p.Ser32266Thr (NM_001256850.1); c.74525G>C, p.Ser24842Thr (NM_003319.4); c.94016G>C, p.Ser31339Thr (NM_133378.4); c.74900G>C, p.Ser24967Thr (NM_133432.3); c.75101G>C, p.Ser25034Thr (NM_133437.4); short protein forms S24842T, S24967T, S25034T, S31339T, S32266T, S33907T.
Identifiers: ClinVar variation 3372440 (VCV003372440.1).
Genomic context (GRCh38, chr2:178,534,895, plus strand): 5'-AGTGCTTCACAGACCTGGTGAACATAACTTACAATTTCTCTTTCATTAAGTTCAAAAGCA[C>G]TTGTGTTAATGCGCTCAAATATGTCAAGTCCTGATATAAACTCAAAGATCATAACTAATT-3'
Protein context (NP_001254479.2, residues 33897-33917): GLDIFERINT[Ser33907Thr]AFELNEREIV

ClinVar aggregate classification (germline): Uncertain significance (1 of 4 stars; one submission).

Submission:

GeneDx
Classification: Uncertain significance. Last evaluated: 2024-04-25. Review status: criteria provided, single submitter. Criteria: GeneDx Variant Classification Process June 2021. Collection method: clinical testing. Allele origin: germline. Affected: yes.
Comment: Not observed at significant frequency in large population cohorts (gnomAD); Missense variant in a gene in which most reported pathogenic variants are truncating/loss of function; Has not been previously published as pathogenic or benign to our knowledge